The following is an entry in ClinVar:

NM_000255.4(MMUT):c.1160C>A (p.Thr387Lys)

Gene: MMUT (methylmalonyl-CoA mutase; minus strand). Cytogenetic location: 6p12.3.
Variant type: single nucleotide variant.
Coding change: c.1160C>A on transcript NM_000255.4 (MANE Select); coding-DNA position 1160, C replaced by A.
Protein change: p.Thr387Lys; replaces threonine 387 with lysine.
Molecular consequence: missense variant.
Genome position (GRCh38, 1-based): chr6:49,451,638, G>T on the plus strand (C>A on the coding strand, the complement: MMUT is on the minus strand). VCF-style: chr6-49451638-G-T. GRCh37 (hg19) VCF-style: chr6-49419351-G-T.
Other names: short protein forms T387K.
Identifiers: ClinVar variation 2584414 (VCV002584414.5), dbSNP rs1400022403, ClinGen allele CA364398991.

ClinVar aggregate classification (germline): Conflicting classifications of pathogenicity. Review status: criteria provided, conflicting classifications (1 of 4 stars). 3 submissions from 3 submitters: Pathogenic (1); Likely pathogenic (1); Uncertain significance (1). Last evaluated 2024-06-17.

Conditions:
Methylmalonic aciduria due to methylmalonyl-CoA mutase deficiency (MAMM). Also called: Methylmalonic aciduria, mut type. Identifiers: Orphanet 27, MedGen C1855114, MONDO:0009612, OMIM 251000.

Allele frequency attached by ClinVar (database versions not stated): gnomAD exomes below 0.00001; TOPMed 0.00002.
gnomAD v4.1: 2 of 1,614,096 alleles (0.00012%); highest among the groups gnomAD compares: African/African-American, 0.0027%; no homozygotes.

Submissions (3):

Labcorp Genetics (formerly Invitae), Labcorp
Classification: Pathogenic. Last evaluated: 2024-06-17. Review status: criteria provided, single submitter. Criteria: Invitae Variant Classification Sherloc (09022015). Collection method: clinical testing. Allele origin: germline.
Comment: This sequence change replaces threonine, which is neutral and polar, with lysine, which is basic and polar, at codon 387 of the MUT protein (p.Thr387Lys). This variant is not present in population databases (gnomAD no frequency). This missense change has been observed in individual(s) with clinical features of methylmalonic acidemia (Invitae). In at least one individual the data is consistent with being in trans (on the opposite chromosome) from a pathogenic variant. ClinVar contains an entry for this variant (Variation ID: 2584414). Advanced modeling of protein sequence and biophysical properties (such as structural, functional, and spatial information, amino acid conservation, physicochemical variation, residue mobility, and thermodynamic stability) performed at Invitae indicates that this missense variant is expected to disrupt MUT protein function with a positive predictive value of 95%. This variant disrupts the p.Thr387 amino acid residue in MUT. Other variant(s) that disrupt this residue have been determined to be pathogenic (PMID: 31622506, 31813137). This suggests that this residue is clinically significant, and that variants that disrupt this residue are likely to be disease-causing. For these reasons, this variant has been classified as Pathogenic.

Women's Health and Genetics/Laboratory Corporation of America, LabCorp
Classification: Uncertain significance. Last evaluated: 2024-05-15. Review status: criteria provided, single submitter. Criteria: LabCorp Variant Classification Summary - May 2015. Collection method: clinical testing. Allele origin: germline.
Comment: Variant summary: MUT c.1160C>A (p.Thr387Lys) results in a non-conservative amino acid change located in the Methylmalonyl-CoA mutase, alpha chain, catalytic (IPR006098) of the encoded protein sequence. Five of five in-silico tools predict a damaging effect of the variant on protein function. The variant was absent in 251242 control chromosomes. The available data on variant occurrences in the general population are insufficient to allow any conclusion about variant significance. To our knowledge, no occurrence of c.1160C>A in individuals affected with Methylmalonic Acidemia and no experimental evidence demonstrating its impact on protein function have been reported. ClinVar contains an entry for this variant (Variation ID: 2584414). Based on the evidence outlined above, the variant was classified as uncertain significance.

Rady Children's Institute for Genomic Medicine, Rady Children's Hospital San Diego
Classification: Likely pathogenic for METHYLMALONIC ACIDURIA DUE TO METHYLMALONYL-CoA MUTASE DEFICIENCY. Review status: criteria provided, single submitter. Criteria: ACMG Guidelines, 2015. Collection method: clinical testing. Allele origin: germline. Affected: yes.
Comment: This variant has not been previously reported or functionally characterized in the literature to our knowledge. Different amino acid changes at the same residue (p.Thr387Ile and p.Thr387Pro) have been previously reported in individuals with Methylmalonic acidemia (PMID: 32778825, 22727635). The c.1160C>A (p.Thr387Lys) variant is absent from the gnomAD population database and thus is presumed to be rare. The c.1160C>A (p.Thr387Lys) variant affects a highly conserved amino acid and is predicted by multiple in silico tools to have a deleterious effect on protein function. Based on the available evidence, the c.1160C>A (p.Thr387Lys) variant is classified as Likely Pathogenic.

Literature cited by the submitters: PubMed 31622506 (cited by Labcorp Genetics (formerly Invitae), Labcorp); PubMed 31813137 (cited by Labcorp Genetics (formerly Invitae), Labcorp).